The following is an entry in ClinVar:

ClinVar aggregate classification (germline): Uncertain significance. Review status: criteria provided, multiple submitters, no conflicts (2 of 4 stars). 2 submissions from 2 submitters: Uncertain significance (2). Last evaluated 2024-11-10.

Conditions:
Dilated cardiomyopathy 1J (CMD1J). Also called: CARDIOMYOPATHY, DILATED, WITH SENSORINEURAL HEARING LOSS, AUTOSOMAL DOMINANT. Identifiers: Orphanet 217622, MedGen C1854368, MONDO:0011541, OMIM 605362.
Cardiovascular phenotype. Identifiers: MedGen CN230736.

Allele frequency attached by ClinVar (database versions not stated): gnomAD exomes below 0.00001; TOPMed below 0.00001; gnomAD 0.00001.
gnomAD v4.1: 2 of 1,613,386 alleles (0.00012%); highest among the groups gnomAD compares: Admixed American, 0.0033%; no homozygotes.

Submissions (2):

Labcorp Genetics (formerly Invitae), Labcorp
Classification: Uncertain significance for Dilated cardiomyopathy 1J. Last evaluated: 2024-11-10. Review status: criteria provided, single submitter. Criteria: Invitae Variant Classification Sherloc (09022015). Collection method: clinical testing. Allele origin: germline.
Comment: This sequence change replaces aspartic acid, which is acidic and polar, with glycine, which is neutral and non-polar, at codon 46 of the EYA4 protein (p.Asp46Gly). This variant is present in population databases (no rsID available, gnomAD 0.003%). This variant has not been reported in the literature in individuals affected with EYA4-related conditions. ClinVar contains an entry for this variant (Variation ID: 1520259). An algorithm developed to predict the effect of missense changes on protein structure and function (PolyPhen-2) suggests that this variant is likely to be tolerated. In summary, the available evidence is currently insufficient to determine the role of this variant in disease. Therefore, it has been classified as a Variant of Uncertain Significance.

Ambry Genetics
Classification: Uncertain significance for Cardiovascular phenotype. Last evaluated: 2022-06-19. Review status: criteria provided, single submitter. Criteria: Ambry Variant Classification Scheme 2023. Collection method: clinical testing. Allele origin: germline.
Comment: The p.D46G variant (also known as c.137A>G), located in coding exon 3 of the EYA4 gene, results from an A to G substitution at nucleotide position 137. The aspartic acid at codon 46 is replaced by glycine, an amino acid with similar properties. This amino acid position is conserved. In addition, the in silico prediction for this alteration is inconclusive. Since supporting evidence is limited at this time, the clinical significance of this alteration remains unclear.

NM_004100.5(EYA4):c.137A>G (p.Asp46Gly)

Gene: EYA4 (EYA transcriptional coactivator and phosphatase 4; plus strand). Cytogenetic location: 6q23.2.
Variant type: single nucleotide variant.
Coding change: c.137A>G on transcript NM_004100.5 (MANE Select); coding-DNA position 137, A replaced by G.
Protein change: p.Asp46Gly; replaces aspartic acid 46 with glycine.
Molecular consequence: missense variant.
Genome position (GRCh38, 1-based): chr6:133,446,683, A>G. VCF-style: chr6-133446683-A-G. GRCh37 (hg19) VCF-style: chr6-133767821-A-G.
Other names: c.137A>G, p.Asp46Gly (NM_001370458.1, NM_001370459.1, NM_172103.4 and 3 more transcripts); short protein forms D46G.
Identifiers: ClinVar variation 1520259 (VCV001520259.8), dbSNP rs1439822731, ClinGen allele CA365838017.